The following is an entry in ClinVar:

NM_022455.5(NSD1):c.2889_2890del (p.His963fs)

Gene: NSD1 (nuclear receptor binding SET domain protein 1; plus strand). Cytogenetic location: 5q35.3.
Variant type: Microsatellite.
Coding change: c.2889_2890del on transcript NM_022455.5 (MANE Select); coding-DNA positions 2889 to 2890, 2 bases deleted (CA; older notation c.2889_2890delCA).
Protein change: p.His963fs; shifts the reading frame from histidine 963.
Molecular consequence: frameshift variant.
Genome position (GRCh38, 1-based): chr5:177,211,288-177,211,289, CA deleted; deleting any 2 consecutive bases within chr5:177,211,282-177,211,289 gives the same sequence; the c. name uses the placement nearest the transcript's 3' end. VCF-style (leftmost placement, unchanged base first): chr5-177211281-CCA-C. GRCh37 (hg19) VCF-style: chr5-176638282-CCA-C.
Other names: c.2010_2011CA[3], p.His672Glnfs (NM_001365684.2, NM_001409306.1, NM_001409307.1 and 3 more transcripts); c.2883_2884CA[3], p.His963Glnfs (NM_001409301.1, NM_001409302.1, NM_001409303.1); c.2463_2464CA[3], p.His823Glnfs (NM_001409304.1); c.2130_2131CA[3], p.His712Glnfs (NM_001409305.1); short protein forms H694fs, H963fs.
Identifiers: ClinVar variation 1801820 (VCV001801820.3), dbSNP rs2480459128, ClinGen allele CA2580614803.

ClinVar aggregate classification (germline): Likely pathogenic (1 of 4 stars; one submission).

Conditions:
Sotos syndrome (SOTOS). Also called: CEREBRAL GIGANTISM; SOTOS SYNDROME 1; Sotos' syndrome; Distinctive facial appearance, overgrowth in childhood, and learning disabilities or delayed development; CHROMOSOME 5q35 DELETION SYNDROME. Identifiers: Orphanet 821, MedGen C0175695, MONDO:0019349, OMIM 117550.

Submission:

Institute of Human Genetics, University of Goettingen
Classification: Likely pathogenic for Sotos syndrome. Last evaluated: 2022-12-05. Review status: criteria provided, single submitter. Criteria: ACMG Guidelines, 2015. Collection method: clinical testing. Allele origin: unknown. Inheritance: Sporadic. Affected: yes. Observed: 1 variant allele, 1 heterozygote.
Comment: The variant c.2889_2890del (p.(His963Glnfs*16)) in exon 5 of the NSD1 gene is not found in the gnomAD database and it creates a frame shift starting at codon His963. The new reading frame ends in a STOP codon at position 16. ACMG criteria used for classification: PVS1, PM2.